The following is an entry in ClinVar:

ClinVar aggregate classification (germline): Benign/Likely benign. Review status: criteria provided, multiple submitters, no conflicts (2 of 4 stars). 3 submissions from 3 submitters: Benign (2); Likely benign (1). Last evaluated 2026-01-26.

Conditions:
Donnai-Barrow syndrome. Also called: DBS/FOAR SYNDROME; FACIOOCULOACOUSTICORENAL SYNDROME. Identifiers: Orphanet 2143, MedGen C1857277, MONDO:0009104, OMIM 222448.

Allele frequency attached by ClinVar (database versions not stated): 1000 Genomes Project 0.00100; gnomAD exomes 0.00113 and 0.00260; 1000 Genomes Project 30x 0.00125; TOPMed 0.00133; ESP Exome Variant Server 0.00169; ExAC 0.00243; gnomAD 0.00316 and 0.00340.
gnomAD v4.1: 2,140 of 1,613,374 alleles (0.13%); highest among the groups gnomAD compares: African/African-American, 0.4%; 17 homozygotes.

Submissions (3):

Labcorp Genetics (formerly Invitae), Labcorp
Classification: Benign. Last evaluated: 2026-01-26. Review status: criteria provided, single submitter. Criteria: Invitae Variant Classification Sherloc (09022015). Collection method: clinical testing. Allele origin: germline.

Genome-Nilou Lab
Classification: Benign for Donnai-Barrow syndrome. Last evaluated: 2021-07-15. Review status: criteria provided, single submitter. Criteria: ACMG Guidelines, 2015. Collection method: clinical testing. Allele origin: germline. Affected: no.

Illumina Laboratory Services, Illumina
Classification: Likely benign for Donnai-Barrow syndrome. Last evaluated: 2018-01-13. Review status: criteria provided, single submitter. Criteria: ICSL Variant Classification Criteria 13 December 2019. Collection method: clinical testing. Allele origin: germline.
Comment: This variant was observed in the ICSL laboratory as part of a predisposition screen in an ostensibly healthy population. It had not been previously curated by ICSL or reported in the Human Gene Mutation Database (HGMD: prior to June 1st, 2018), and was therefore a candidate for classification through an automated scoring system. Utilizing variant allele frequency, disease prevalence and penetrance estimates, and inheritance mode, an automated score was calculated to assess if this variant is too frequent to cause the disease. Based on the score and internal cut-off values, a variant classified as likely benign is not then subjected to further curation. The score for this variant resulted in a classification of likely benign for this disease.

NM_004525.3(LRP2):c.403G>A (p.Asp135Asn)

Gene: LRP2 (LDL receptor related protein 2; minus strand). Cytogenetic location: 2q31.1.
Variant type: single nucleotide variant.
Coding change: c.403G>A on transcript NM_004525.3 (MANE Select); coding-DNA position 403, G replaced by A.
Protein change: p.Asp135Asn; replaces aspartic acid 135 with asparagine.
Molecular consequence: missense variant.
Genome position (GRCh38, 1-based): chr2:169,307,305, C>T on the plus strand (G>A on the coding strand, the complement: LRP2 is on the minus strand). VCF-style: chr2-169307305-C-T. GRCh37 (hg19) VCF-style: chr2-170163815-C-T.
Other names: short protein forms D135N.
Identifiers: ClinVar variation 332206 (VCV000332206.15), dbSNP rs142594441, ClinGen allele CA1955893.
Genomic context (GRCh38, chr2:169,307,305, plus strand): 5'-AAACCAAATACAGTGCAAGGACTAAAACAGACTCACGGCAGTCATTCTCATCAGCTCCAT[C>T]GGGGCAGTCTCTGACGTGGTCGCACCTGTATTCACTTGGGATACACTGACCATTGGAGCA-3'
Protein context (NP_004516.2, residues 125-145): YRCDHVRDCP[Asp135Asn]GADENDCQYP